The following is an entry in ClinVar:

Conditions:
Breast-ovarian cancer, familial, susceptibility to, 1 (BROVCA1). Also called: BRCA1 Hereditary Breast and Ovarian Cancer; OVARIAN CANCER, SUSCEPTIBILITY TO. Identifiers: Orphanet 145, MedGen C2676676, MONDO:0011450, OMIM 604370. Disease mechanism: loss of function.

Submission:

Brotman Baty Institute, University of Washington
No classification provided (evidence only). Condition: Breast-ovarian cancer, familial 1. Review status: no classification provided. Collection method: in vitro. Allele origin: not applicable. Functional consequence: functionally_normal.
ClinVar note: "not provided" was previously submitted as the classification for the variant. However, the classification appeared to be based only on an observation of functional data so it was converted to no classification on 2025-07-30.

NM_007294.4(BRCA1):c.4984T>A (p.Phe1662Ile)

Gene: BRCA1 (BRCA1 DNA repair associated; minus strand). Cytogenetic location: 17q21.31.
Variant type: single nucleotide variant.
Coding change: c.4984T>A on transcript NM_007294.4 (MANE Select); coding-DNA position 4984, T replaced by A.
Protein change: p.Phe1662Ile; replaces phenylalanine 1662 with isoleucine.
Molecular consequence: missense variant. On other transcripts: non-coding transcript variant (1).
Genome position (GRCh38, 1-based): chr17:43,070,930, A>T on the plus strand (T>A on the coding strand, the complement: BRCA1 is on the minus strand). VCF-style: chr17-43070930-A-T. GRCh37 (hg19) VCF-style: chr17-41222947-A-T.
Other names: c.4771T>A, p.Phe1591Ile (NM_001407571.1, NM_001407894.1, NM_001407895.1 and 12 more transcripts); c.5050T>A, p.Phe1684Ile (NM_001407581.1, NM_001407582.1); c.5047T>A, p.Phe1683Ile (NM_001407583.1, NM_001407585.1, NM_001407587.1 and 1 more transcripts); c.5044T>A, p.Phe1682Ile (NM_001407590.1, NM_001407591.1); c.4984T>A, p.Phe1662Ile (NM_001407593.1, NM_001407594.1, NM_001407596.1 and 8 more transcripts); c.4981T>A, p.Phe1661Ile (NM_001407620.1, NM_001407621.1, NM_001407622.1 and 17 more transcripts); c.4978T>A, p.Phe1660Ile (NM_001407627.1, NM_001407628.1, NM_001407639.1 and 14 more transcripts); c.4975T>A, p.Phe1659Ile (NM_001407644.1, NM_001407645.1); and 70 more; short protein forms F1683I, F558I, F1662I, F1615I, F1366I, F1534I, F1572I, F1573I.
Identifiers: ClinVar variation 865486 (VCV000865486.3), dbSNP rs2052354206, ClinGen allele CA10591557.
Genomic context (GRCh38, chr17:43,070,930, plus strand): 5'-TCTTTCCAGAATGTTGTTAAGTCTTAGTCATTAGGGAGATACATATGGATACACTCACAA[A>T]TTCTTCTGGGGTCAGGCCAGACACCACCATGGACATTCTTTTGTTGACCCTTTCTGTTGA-3'
Protein context (NP_009225.1, residues 1652-1672): MVVSGLTPEE[Phe1662Ile]MLVYKFARKH